The following is an entry in ClinVar:

ClinVar aggregate classification (germline): Uncertain significance. Review status: criteria provided, multiple submitters, no conflicts (2 of 4 stars). 4 submissions from 4 submitters: Uncertain significance (3). 1 of the submissions does not count toward it. Last evaluated 2022-05-12.

Conditions:
Developmental and epileptic encephalopathy, 85, with or without midline brain defects. Also called: EPILEPTIC ENCEPHALOPATHY, EARLY INFANTILE, 85, WITH OR WITHOUT MIDLINE BRAIN DEFECTS. Identifiers: MedGen C5393312, MONDO:0026771, OMIM 301044.
Congenital muscular hypertrophy-cerebral syndrome (CDLS2). Also called: SMC1A-Related Cornelia de Lange Syndrome; Cornelia de Lange syndrome 2. Identifiers: Orphanet 199, MedGen C1802395, MONDO:0010370, OMIM 300590.

Submissions (4):

Fulgent Genetics
Classification: Uncertain significance for Congenital muscular hypertrophy-cerebral syndrome; Developmental and epileptic encephalopathy, 85, with or without midline brain defects. Last evaluated: 2022-05-12. Review status: criteria provided, single submitter. Criteria: ACMG Guidelines, 2015. Collection method: clinical testing. Allele origin: unknown.

Genomic Research Center, Shahid Beheshti University of Medical Sciences
Classification: Uncertain significance. Last evaluated: 2020-05-03. Review status: criteria provided, single submitter. Criteria: ACMG Guidelines, 2015. Collection method: clinical testing. Allele origin: unknown.

Neuberg Centre For Genomic Medicine, NCGM
Classification: Uncertain significance for Developmental and epileptic encephalopathy, 85, with or without midline brain defects. Review status: criteria provided, single submitter. Criteria: ACMG Guidelines, 2015. Collection method: clinical testing. Allele origin: germline. Inheritance: X-linked dominant inheritance. Affected: yes.
Comment: The missense variant c.3468T>Gp.Asp1156Glu in SMC1A gene has not been reported previously as a pathogenic variant nor as a benign variant, to our knowledge. The p.Asp1156Glu variant is novel not in any individuals in gnomAD Exomes and 1000 Genomes. This variant has been reported to the ClinVar database as Uncertain_significance with a status of criteria provided, single submitter. The amino acid change p.Asp1156Glu in SMC1A is predicted as conserved by GERP++ and PhyloP across 100 vertebrates. The amino acid Asp at position 1156 is changed to a Glu changing protein sequence and it might alter its composition and physico-chemical properties. For these reasons, this variant has been classified as Uncertain Significance VUS.

Solve-RD Consortium
Classification: Likely pathogenic for Congenital muscular hypertrophy-cerebral syndrome. Last evaluated: 2022-06-01. Review status: no assertion criteria provided. Collection method: provider interpretation. Allele origin: inherited. Affected: yes. Not counted in ClinVar's aggregate classification.
Comment: Variant confirmed as disease-causing by referring clinical team

Variant identified during reanalysis of unsolved cases by the Solve-RD project. The Solve-RD project has received funding from the European Union’s Horizon 2020 research and innovation programme under grant agreement No 779257.

Literature cited by the submitters: PubMed 39825153 (cited by Solve-RD Consortium).

NM_006306.4(SMC1A):c.3468T>G (p.Asp1156Glu)

Gene: SMC1A (structural maintenance of chromosomes 1A; minus strand). Cytogenetic location: Xp11.22.
Variant type: single nucleotide variant.
Coding change: c.3468T>G on transcript NM_006306.4 (MANE Select); coding-DNA position 3468, T replaced by G.
Protein change: p.Asp1156Glu; replaces aspartic acid 1156 with glutamic acid.
Molecular consequence: missense variant.
Genome position (GRCh38, 1-based): chrX:53,381,057, A>C on the plus strand (T>G on the coding strand, the complement: SMC1A is on the minus strand). VCF-style: chrX-53381057-A-C. GRCh37 (hg19) VCF-style: chrX-53407978-A-C.
Other names: c.3402T>G, p.Asp1134Glu (NM_001281463.1); short protein forms D1134E, D1156E.
Identifiers: ClinVar variation 522900 (VCV000522900.7), dbSNP rs1556885815, ClinGen allele CA413242687.